The following is an entry in ClinVar:

NM_000812.4(GABRB1):c.1178C>T (p.Thr393Ile)

Gene: GABRB1 (gamma-aminobutyric acid type A receptor subunit beta1; plus strand). Cytogenetic location: 4p12.
Variant type: single nucleotide variant.
Coding change: c.1178C>T on transcript NM_000812.4 (MANE Select); coding-DNA position 1178, C replaced by T.
Protein change: p.Thr393Ile; replaces threonine 393 with isoleucine.
Molecular consequence: missense variant.
Genome position (GRCh38, 1-based): chr4:47,425,771, C>T. VCF-style: chr4-47425771-C-T. GRCh37 (hg19) VCF-style: chr4-47427788-C-T.
Other names: short protein forms T393I.
Identifiers: ClinVar variation 3670600 (VCV003670600.2).

ClinVar aggregate classification (germline): Uncertain significance (1 of 4 stars; one submission).

gnomAD v4.1: 1 of 1,614,204 alleles (0.000062%); highest among the groups gnomAD compares: Non-Finnish European, 0.000085%; no homozygotes.

Submission:

Labcorp Genetics (formerly Invitae), Labcorp
Classification: Uncertain significance. Last evaluated: 2025-06-24. Review status: criteria provided, single submitter. Criteria: Invitae Variant Classification Sherloc (09022015). Collection method: clinical testing. Allele origin: germline.
Comment: This sequence change replaces threonine, which is neutral and polar, with isoleucine, which is neutral and non-polar, at codon 393 of the GABRB1 protein (p.Thr393Ile). This variant is not present in population databases (gnomAD no frequency). This variant has not been reported in the literature in individuals affected with GABRB1-related conditions. ClinVar contains an entry for this variant (Variation ID: 3670600). Invitae Evidence Modeling of protein sequence and biophysical properties (such as structural, functional, and spatial information, amino acid conservation, physicochemical variation, residue mobility, and thermodynamic stability) indicates that this missense variant is not expected to disrupt GABRB1 protein function with a negative predictive value of 80%. In summary, the available evidence is currently insufficient to determine the role of this variant in disease. Therefore, it has been classified as a Variant of Uncertain Significance.